The following is an entry in ClinVar:

ClinVar aggregate classification (germline): Uncertain significance (1 of 4 stars; one submission).

gnomAD v4.1: 1 of 1,613,868 alleles (0.000062%); highest among the groups gnomAD compares: Non-Finnish European, 0.000085%; no homozygotes.

Submission:

Mayo Clinic Laboratories, Mayo Clinic
Classification: Uncertain significance. Last evaluated: 2025-10-08. Review status: criteria provided, single submitter. Criteria: ACMG Guidelines, 2015. Collection method: clinical testing. Allele origin: germline. Observed: 1 variant allele.
Comment: PM2_supporting

NM_012200.4(B3GAT3):c.632G>T (p.Arg211Leu)

Gene: B3GAT3 (beta-1,3-glucuronyltransferase 3; minus strand). Cytogenetic location: 11q12.3.
Variant type: single nucleotide variant.
Coding change: c.632G>T on transcript NM_012200.4 (MANE Select); coding-DNA position 632, G replaced by T.
Protein change: p.Arg211Leu; replaces arginine 211 with leucine.
Molecular consequence: missense variant. On other transcripts: non-coding transcript variant (1).
Genome position (GRCh38, 1-based): chr11:62,616,783, C>A on the plus strand (G>T on the coding strand, the complement: B3GAT3 is on the minus strand). VCF-style: chr11-62616783-C-A. GRCh37 (hg19) VCF-style: chr11-62384255-C-A.
Other names: p.Arg211Leu; c.611G>T, p.Arg204Leu (NM_001288721.2); c.632G>T, p.Arg211Leu (NM_001288722.2, NM_001288723.2); short protein forms R204L, R211L.
Identifiers: ClinVar variation 4541622 (VCV004541622.1).
Genomic context (GRCh38, chr11:62,616,783, plus strand): 5'-ACCTGAGGGCCCTCGAATCGCAGGCCGCCCACCAGCCCCACAGGCCACACTGAGACACCA[C>A]GGGTCCAGCGCATCTAACGGAGGTCGGGAGAGAAGAAACAGAGGGGTGGTCCGGGGAAGG-3'
Protein context (NP_036332.2, residues 201-221): RELFEEMRWT[Arg211Leu]GVSVWPVGLV